The following is an entry in ClinVar:

ClinVar aggregate classification (germline): Benign/Likely benign. Review status: criteria provided, multiple submitters, no conflicts (2 of 4 stars). 12 submissions from 8 submitters: Benign (9); Likely benign (1). 2 of the submissions do not count toward it. Last evaluated 2026-02-04.

Conditions:
Brachydactyly. Also called: Brachydactyly syndrome; Brachydactyly (disease). Identifiers: MedGen C0221357, MONDO:0021004, HP:0001156.
Acromesomelic dysplasia 2B. Also called: DU PAN SYNDROME. Identifiers: Orphanet 2639, MedGen C1856738, MONDO:0009231, OMIM 228900.
Multiple synostoses syndrome 2 (SYNS2). Identifiers: Orphanet 3237, MedGen C1832708, MONDO:0012394, OMIM 610017.
Acromesomelic dysplasia 2C, Hunter-Thompson type. Also called: Acromesomelic dysplasia, Hunter-Thompson type. Identifiers: Orphanet 968, MedGen C2930970, MONDO:0008717, OMIM 201250.
Grebe syndrome. Also called: ACROMESOMELIC DYSPLASIA 2A; ACROMESOMELIC DYSPLASIA, GREBE TYPE; GREBE DYSPLASIA. Identifiers: Orphanet 2098, MedGen C0265260, MONDO:0008703, OMIM 200700.

Allele frequency attached by ClinVar (database versions not stated): gnomAD exomes 0.06870; gnomAD 0.10244 and 0.10607; TOPMed 0.10478; 1000 Genomes Project 30x 0.16099.

Submissions (12):

Labcorp Genetics (formerly Invitae), Labcorp
Classification: Benign. Last evaluated: 2026-02-04. Review status: criteria provided, single submitter. Criteria: Invitae Variant Classification Sherloc (09022015). Collection method: clinical testing. Allele origin: germline.

Blueprint Genetics
Classification: Likely benign. Last evaluated: 2024-11-28. Review status: criteria provided, single submitter. Criteria: ACMG Guidelines, 2015. Collection method: clinical testing. Allele origin: germline.

GeneDx
Classification: Benign. Last evaluated: 2018-11-27. Review status: criteria provided, single submitter. Criteria: GeneDx Variant Classification Process June 2021. Collection method: clinical testing. Allele origin: germline. Affected: yes.

Illumina Laboratory Services, Illumina
Classification: Benign for Acromesomelic dysplasia 2C, Hunter-Thompson type. Last evaluated: 2018-01-13. Review status: criteria provided, single submitter. Criteria: ICSL Variant Classification Criteria 13 December 2019. Collection method: clinical testing. Allele origin: germline.
Comment: This variant was observed in the ICSL laboratory as part of a predisposition screen in an ostensibly healthy population. It had not been previously curated by ICSL or reported in the Human Gene Mutation Database (HGMD: prior to June 1st, 2018), and was therefore a candidate for classification through an automated scoring system. Utilizing variant allele frequency, disease prevalence and penetrance estimates, and inheritance mode, an automated score was calculated to assess if this variant is too frequent to cause the disease. Based on the score and internal cut-off values, a variant classified as benign is not then subjected to further curation. The score for this variant resulted in a classification of benign for this disease.

Illumina Laboratory Services, Illumina
Classification: Benign for Brachydactyly. Last evaluated: 2018-01-13. Review status: criteria provided, single submitter. Criteria: ICSL Variant Classification Criteria 13 December 2019. Collection method: clinical testing. Allele origin: germline.
Comment: the same text as in the submission from Illumina Laboratory Services, Illumina above.

Illumina Laboratory Services, Illumina
Classification: Benign for Multiple synostoses syndrome 2. Last evaluated: 2018-01-13. Review status: criteria provided, single submitter. Criteria: ICSL Variant Classification Criteria 13 December 2019. Collection method: clinical testing. Allele origin: germline.
Comment: the same text as in the submission from Illumina Laboratory Services, Illumina above.

Illumina Laboratory Services, Illumina
Classification: Benign for Fibular hypoplasia and complex brachydactyly. Last evaluated: 2018-01-13. Review status: criteria provided, single submitter. Criteria: ICSL Variant Classification Criteria 13 December 2019. Collection method: clinical testing. Allele origin: germline.
Comment: the same text as in the submission from Illumina Laboratory Services, Illumina above.

Illumina Laboratory Services, Illumina
Classification: Benign for Grebe syndrome. Last evaluated: 2018-01-13. Review status: criteria provided, single submitter. Criteria: ICSL Variant Classification Criteria 13 December 2019. Collection method: clinical testing. Allele origin: germline.
Comment: the same text as in the submission from Illumina Laboratory Services, Illumina above.

Breakthrough Genomics
Classification: Benign. Review status: criteria provided, single submitter. Criteria: ACMG Guidelines, 2015. Collection method: not provided. Allele origin: germline. Inheritance: Autosomal recessive inheritance. Affected: yes.

PreventionGenetics, part of Exact Sciences
Classification: Benign. Review status: criteria provided, single submitter. Criteria: ACMG Guidelines, 2015. Collection method: clinical testing. Allele origin: germline.

Clinical Genetics DNA and cytogenetics Diagnostics Lab, Erasmus MC, Erasmus Medical Center
Classification: Benign. Review status: no assertion criteria provided. Collection method: clinical testing. Allele origin: germline. Affected: yes. Study: VKGL Data-share Consensus. Not counted in ClinVar's aggregate classification.

Joint Genome Diagnostic Labs from Nijmegen and Maastricht, Radboudumc and MUMC+
Classification: Benign. Review status: no assertion criteria provided. Collection method: clinical testing. Allele origin: germline. Affected: yes. Study: VKGL Data-share Consensus. Not counted in ClinVar's aggregate classification.

NM_000557.5(GDF5):c.1017= (p.Lys339=)

Genes: GDF5 (growth differentiation factor 5; minus strand), GDF5-AS1 (GDF5 antisense RNA 1; plus strand). Cytogenetic location: 20q11.22.
Variant type: single nucleotide variant.
Coding change: c.1017= on transcript NM_000557.5 (MANE Select); coding-DNA position 1017, no change from the reference sequence.
Protein change: p.Lys339=; no amino-acid change (lysine 339 retained).
Molecular consequence: no sequence alteration. On other transcripts: non-coding transcript variant (1).
Genome position: GRCh38 VCF-style: chr20-35434398-T-T. GRCh37 (hg19) VCF-style: chr20-34022196-C-T.
Other names: c.1017=, p.Lys339= (NM_001319138.2).
Identifiers: ClinVar variation 256713 (VCV000256713.20), dbSNP rs224330.